The following is an entry in ClinVar:

NM_152564.5(VPS13B):c.285G>A (p.Gly95=)

Gene: VPS13B (vacuolar protein sorting 13 homolog B; plus strand). Cytogenetic location: 8q22.2.
Variant type: single nucleotide variant.
Coding change: c.285G>A on transcript NM_152564.5 (MANE Select); coding-DNA position 285, G replaced by A.
Protein change: p.Gly95=; no amino-acid change (glycine 95 retained).
Molecular consequence: synonymous variant. On other transcripts: non-coding transcript variant (1).
Genome position (GRCh38, 1-based): chr8:99,038,560, G>A. VCF-style: chr8-99038560-G-A. GRCh37 (hg19) VCF-style: chr8-100050788-G-A.
Other names: c.285G>A, p.Gly95= (NM_015243.3, NM_017890.5, NM_181661.3).
Identifiers: ClinVar variation 1536236 (VCV001536236.38), dbSNP rs2132222228, ClinGen allele CA462419725.

ClinVar aggregate classification (germline): Likely benign. Review status: criteria provided, multiple submitters, no conflicts (2 of 4 stars). 2 submissions from 2 submitters: Likely benign (2). Last evaluated 2022-06-01.

Conditions:
Cohen syndrome (COH1). Also called: Cutis verticis gyrata, retinitis pigmentosa, and sensorineural deafness; PEPPER SYNDROME. Identifiers: Orphanet 193, MedGen C0265223, MONDO:0008999, OMIM 216550.

Allele frequency attached by ClinVar (database versions not stated): gnomAD exomes below 0.00001.
gnomAD v4.1: 1 of 1,611,896 alleles (0.000062%); highest among the groups gnomAD compares: Admixed American, 0.0017%; no homozygotes.

Submissions (2):

CeGaT Center for Human Genetics Tuebingen
Classification: Likely benign. Last evaluated: 2022-06-01. Review status: criteria provided, single submitter. Criteria: CeGaT Center For Human Genetics Tuebingen Variant Classification Criteria Version 2. Collection method: clinical testing. Allele origin: germline. Affected: yes. Observed: 2 variant alleles.
Comment: VPS13B: PM2:Supporting, BP4, BP7

Labcorp Genetics (formerly Invitae), Labcorp
Classification: Likely benign for Cohen syndrome. Last evaluated: 2021-12-02. Review status: criteria provided, single submitter. Criteria: Invitae Variant Classification Sherloc (09022015). Collection method: clinical testing. Allele origin: germline.